The following is an entry in ClinVar:

NM_005751.5(AKAP9):c.3766A>G (p.Met1256Val)

Gene: AKAP9 (A-kinase anchoring protein 9; plus strand). Cytogenetic location: 7q21.2.
Variant type: single nucleotide variant.
Coding change: c.3766A>G on transcript NM_005751.5 (MANE Select); coding-DNA position 3766, A replaced by G.
Protein change: p.Met1256Val; replaces methionine 1256 with valine.
Molecular consequence: missense variant.
Genome position (GRCh38, 1-based): chr7:92,017,031, A>G. VCF-style: chr7-92017031-A-G. GRCh37 (hg19) VCF-style: chr7-91646345-A-G.
Other names: c.3766A>G, p.Met1256Val (NM_147185.3); short protein forms M1256V.
Identifiers: ClinVar variation 3225049 (VCV003225049.2), dbSNP rs757874090, ClinGen allele CA4336394.

ClinVar aggregate classification (germline): Uncertain significance. Review status: criteria provided, multiple submitters, no conflicts (2 of 4 stars). 2 submissions from 2 submitters: Uncertain significance (2). Last evaluated 2025-05-26.

Conditions:
Long QT syndrome (LQTS). Identifiers: MedGen C0023976, MeSH D008133, MONDO:0002442. Disease mechanism: loss of function. Inheritance: Various modes of inheritance.
Cardiovascular phenotype. Identifiers: MedGen CN230736.

Allele frequency attached by ClinVar (database versions not stated): gnomAD exomes below 0.00001; TOPMed below 0.00001; ExAC 0.00002.

Submissions (2):

Labcorp Genetics (formerly Invitae), Labcorp
Classification: Uncertain significance for Long QT syndrome. Last evaluated: 2025-05-26. Review status: criteria provided, single submitter. Criteria: Invitae Variant Classification Sherloc (09022015). Collection method: clinical testing. Allele origin: germline.
Comment: This sequence change replaces methionine, which is neutral and non-polar, with valine, which is neutral and non-polar, at codon 1256 of the AKAP9 protein (p.Met1256Val). This variant is present in population databases (rs757874090, gnomAD 0.002%). This variant has not been reported in the literature in individuals affected with AKAP9-related conditions. ClinVar contains an entry for this variant (Variation ID: 3225049). An algorithm developed to predict the effect of missense changes on protein structure and function outputs the following: PolyPhen-2: "Benign". The valine amino acid residue is found in multiple mammalian species, which suggests that this missense change does not adversely affect protein function. In summary, the available evidence is currently insufficient to determine the role of this variant in disease. Therefore, it has been classified as a Variant of Uncertain Significance.

Ambry Genetics
Classification: Uncertain significance for Cardiovascular phenotype. Last evaluated: 2023-10-08. Review status: criteria provided, single submitter. Criteria: Ambry Variant Classification Scheme 2023. Collection method: clinical testing. Allele origin: germline.
Comment: The p.M1256V variant (also known as c.3766A>G), located in coding exon 12 of the AKAP9 gene, results from an A to G substitution at nucleotide position 3766. The methionine at codon 1256 is replaced by valine, an amino acid with highly similar properties. This amino acid position is conserved. In addition, this alteration is predicted to be tolerated by in silico analysis. Since supporting evidence is limited at this time, the clinical significance of this alteration remains unclear.